The following is an entry in ClinVar:

ClinVar aggregate classification (germline): Likely pathogenic (1 of 4 stars; one submission).

Conditions:
Autosomal recessive limb-girdle muscular dystrophy type 2J (LGMDR10). Also called: Limb-girdle muscular dystrophy, type 2J; MUSCULAR DYSTROPHY, LIMB-GIRDLE, AUTOSOMAL RECESSIVE 10. Identifiers: Orphanet 140922, MedGen C1837342, MONDO:0012127, OMIM 608807.
Dilated cardiomyopathy 1G (CMD1G). Identifiers: Orphanet 154, MedGen C1858763, MONDO:0011400, OMIM 604145.

Submission:

Labcorp Genetics (formerly Invitae), Labcorp
Classification: Likely pathogenic for Dilated cardiomyopathy 1G; Autosomal recessive limb-girdle muscular dystrophy type 2J. Last evaluated: 2024-12-02. Review status: criteria provided, single submitter. Criteria: Invitae Variant Classification Sherloc (09022015). Collection method: clinical testing. Allele origin: germline.
Comment: This sequence change affects a splice site in intron 83 of the TTN gene. It is expected to disrupt RNA splicing and likely results in a truncated or disrupted TTN protein. This variant is not present in population databases (gnomAD no frequency). This variant has not been reported in the literature in individuals affected with TTN-related conditions. Algorithms developed to predict the effect of sequence changes on RNA splicing suggest that this variant may disrupt the consensus splice site. This variant is located in the I band of TTN (PMID: 25589632). Truncating variants in this region have been reported in individuals affected with autosomal recessive centronuclear myopathy (PMID: 23975875, internal data). Truncating variants in this region have also been identified in individuals affected with autosomal dominant dilated cardiomyopathy and/or cardio-related conditions (PMID: 27869827, 32964742, internal data). In summary, the currently available evidence indicates that the variant is pathogenic, but additional data are needed to prove that conclusively. Therefore, this variant has been classified as Likely Pathogenic.

Literature cited by the submitters: PubMed 25589632; PubMed 23975875; PubMed 27869827; PubMed 32964742.

NM_001267550.2(TTN):c.24226+2_24226+14del

Gene: TTN (titin; minus strand). Cytogenetic location: 2q31.2.
Variant type: Deletion.
Coding change: c.24226+2_24226+14del on transcript NM_001267550.2 (MANE Select); the canonical splice donor site of the intron after coding-DNA position 24226 through 14 bases into the intron after coding-DNA position 24226, 13 bases deleted (TCAGTGTGCAAGG).
Molecular consequence: splice donor variant. On other transcripts: intron variant (3).
Genome position (GRCh38, 1-based): chr2:178,719,150-178,719,162, CCTTGCACACTGA deleted on the plus strand (TCAGTGTGCAAGG on the coding strand, the reverse complement: TTN is on the minus strand); deleting any 13 consecutive bases within chr2:178,719,150-178,719,171 gives the same sequence; the c. name uses the placement nearest the transcript's 3' end. VCF-style (leftmost placement, unchanged base first): chr2-178719149-TCCTTGCACACTGA-T. GRCh37 (hg19) VCF-style: chr2-179583876-TCCTTGCACACTGA-T.
Other names: c.13282+18920_13282+18932del (NM_003319.4); c.13858+18920_13858+18932del (NM_133437.4); c.13657+18920_13657+18932del (NM_133432.3); c.20494+2_20494+14del (NM_133378.4); c.23275+2_23275+14del (NM_001256850.1).
Identifiers: ClinVar variation 3753281 (VCV003753281.2).